The following is an entry in ClinVar:

ClinVar aggregate classification (germline): Uncertain significance. Review status: criteria provided, multiple submitters, no conflicts (2 of 4 stars). 2 submissions from 2 submitters: Uncertain significance (2). Last evaluated 2024-01-12.

Conditions:
Hydrolethalus syndrome 2 (HLS2). Identifiers: Orphanet 2189, MedGen C3279899, MONDO:0013585, OMIM 614120.
Multiple epiphyseal dysplasia, Al-Gazali type. Also called: Macrocephaly with multiple epiphyseal dysplasia and distinctive facies. Identifiers: Orphanet 166024, MedGen C1846722, MONDO:0011778, OMIM 607131.
Acrocallosal syndrome (ACLS). Also called: HALLUX DUPLICATION, POSTAXIAL POLYDACTYLY, AND ABSENCE OF CORPUS CALLOSUM; Schinzel syndrome 1; Absence of corpus callosum with unusual facial appearance, mental deficiency, duplication of the halluces and polydactyly. Identifiers: Orphanet 36, MedGen C0796147, MONDO:0008708, OMIM 200990.

Allele frequency attached by ClinVar (database versions not stated): gnomAD 0.00001.
gnomAD v4.1: 4 of 1,613,392 alleles (0.00025%); highest among the groups gnomAD compares: East Asian, 0.0089%; no homozygotes.

Submissions (2):

Fulgent Genetics
Classification: Uncertain significance for Acrocallosal syndrome; Multiple epiphyseal dysplasia, Al-Gazali type; Hydrolethalus syndrome 2. Last evaluated: 2024-01-12. Review status: criteria provided, single submitter. Criteria: ACMG Guidelines, 2015. Collection method: clinical testing. Allele origin: germline.

Labcorp Genetics (formerly Invitae), Labcorp
Classification: Uncertain significance for Acrocallosal syndrome. Last evaluated: 2022-10-04. Review status: criteria provided, single submitter. Criteria: Invitae Variant Classification Sherloc (09022015). Collection method: clinical testing. Allele origin: germline.
Comment: This sequence change replaces serine, which is neutral and polar, with tyrosine, which is neutral and polar, at codon 1289 of the KIF7 protein (p.Ser1289Tyr). This variant is present in population databases (rs750002097, gnomAD 0.02%). This variant has not been reported in the literature in individuals affected with KIF7-related conditions. Advanced modeling of protein sequence and biophysical properties (such as structural, functional, and spatial information, amino acid conservation, physicochemical variation, residue mobility, and thermodynamic stability) performed at Invitae indicates that this missense variant is not expected to disrupt KIF7 protein function. In summary, the available evidence is currently insufficient to determine the role of this variant in disease. Therefore, it has been classified as a Variant of Uncertain Significance.

NM_198525.3(KIF7):c.3866C>A (p.Ser1289Tyr)

Gene: KIF7 (kinesin family member 7; minus strand). Cytogenetic location: 15q26.1.
Variant type: single nucleotide variant.
Coding change: c.3866C>A on transcript NM_198525.3 (MANE Select); coding-DNA position 3866, C replaced by A.
Protein change: p.Ser1289Tyr; replaces serine 1289 with tyrosine.
Molecular consequence: missense variant.
Genome position (GRCh38, 1-based): chr15:89,628,585, G>T on the plus strand (C>A on the coding strand, the complement: KIF7 is on the minus strand). VCF-style: chr15-89628585-G-T. GRCh37 (hg19) VCF-style: chr15-90171816-G-T.
Other names: short protein forms S1289Y.
Identifiers: ClinVar variation 1915581 (VCV001915581.6), dbSNP rs750002097, ClinGen allele CA7727499.